The following is an entry in ClinVar:

NM_001378457.1(DMXL2):c.1346-8T>C

Gene: DMXL2 (Dmx like 2; minus strand). Cytogenetic location: 15q21.2.
Variant type: single nucleotide variant.
Coding change: c.1346-8T>C on transcript NM_001378457.1 (MANE Select); 8 bases into the intron before coding-DNA position 1346, T replaced by C.
Molecular consequence: intron variant.
Genome position (GRCh38, 1-based): chr15:51,537,767, A>G on the plus strand (T>C on the coding strand, the complement: DMXL2 is on the minus strand). VCF-style: chr15-51537767-A-G. GRCh37 (hg19) VCF-style: chr15-51829964-A-G.
Other names: c.1346-8T>C (NM_001378460.1, NM_001174117.3, NM_015263.5 and 6 more transcripts); c.1106-8T>C (NM_001378464.1).
Identifiers: ClinVar variation 1701260 (VCV001701260.31), dbSNP rs2140887548, ClinGen allele CA2580089783.

ClinVar aggregate classification (germline): Uncertain significance (1 of 4 stars; one submission).

Submission:

CeGaT Center for Human Genetics Tuebingen
Classification: Uncertain significance. Last evaluated: 2022-07-01. Review status: criteria provided, single submitter. Criteria: CeGaT Center For Human Genetics Tuebingen Variant Classification Criteria Version 2. Collection method: clinical testing. Allele origin: germline. Affected: yes. Observed: 1 variant allele.
Comment: DMXL2: PM2, BP4